The following is an entry in ClinVar:

NM_001060.6(TBXA2R):c.622G>A (p.Val208Ile)

Gene: TBXA2R (thromboxane A2 receptor; minus strand). Cytogenetic location: 19p13.3.
Variant type: single nucleotide variant.
Coding change: c.622G>A on transcript NM_001060.6 (MANE Select); coding-DNA position 622, G replaced by A.
Protein change: p.Val208Ile; replaces valine 208 with isoleucine.
Molecular consequence: missense variant.
Genome position (GRCh38, 1-based): chr19:3,600,013, C>T on the plus strand (G>A on the coding strand, the complement: TBXA2R is on the minus strand). VCF-style: chr19-3600013-C-T. GRCh37 (hg19) VCF-style: chr19-3600011-C-T.
Other names: c.622G>A, p.Val208Ile (NM_201636.3); short protein forms V208I.
Identifiers: ClinVar variation 2539139 (VCV002539139.5), dbSNP rs760677961, ClinGen allele CA9080820.

ClinVar aggregate classification (germline): Uncertain significance. Review status: criteria provided, multiple submitters, no conflicts (2 of 4 stars). 2 submissions from 2 submitters: Uncertain significance (2). Last evaluated 2023-06-27.

Conditions:
Inborn genetic diseases. Identifiers: MedGen C0950123, MeSH D030342.

Allele frequency attached by ClinVar (database versions not stated): ExAC 0.00001; gnomAD 0.00001; TOPMed 0.00002.

Submissions (2):

Labcorp Genetics (formerly Invitae), Labcorp
Classification: Uncertain significance. Last evaluated: 2023-06-27. Review status: criteria provided, single submitter. Criteria: Invitae Variant Classification Sherloc (09022015). Collection method: clinical testing. Allele origin: germline.
Comment: This sequence change replaces valine, which is neutral and non-polar, with isoleucine, which is neutral and non-polar, at codon 208 of the TBXA2R protein (p.Val208Ile). In summary, the available evidence is currently insufficient to determine the role of this variant in disease. Therefore, it has been classified as a Variant of Uncertain Significance. Advanced modeling of protein sequence and biophysical properties (such as structural, functional, and spatial information, amino acid conservation, physicochemical variation, residue mobility, and thermodynamic stability) performed at Invitae indicates that this missense variant is not expected to disrupt TBXA2R protein function. This variant has not been reported in the literature in individuals affected with TBXA2R-related conditions. This variant is present in population databases (rs760677961, gnomAD 0.02%).

Ambry Genetics
Classification: Uncertain significance for Inborn genetic diseases. Last evaluated: 2023-04-19. Review status: criteria provided, single submitter. Criteria: Ambry Variant Classification Scheme 2023. Collection method: clinical testing. Allele origin: germline.